The following is an entry in ClinVar:

ClinVar aggregate classification (germline): Pathogenic (1 of 4 stars; one submission).

Conditions:
Werner syndrome (WRN). Identifiers: Orphanet 902, MedGen C0043119, MONDO:0010196, OMIM 277700.

Submission:

Labcorp Genetics (formerly Invitae), Labcorp
Classification: Pathogenic for Werner syndrome. Last evaluated: 2022-12-30. Review status: criteria provided, single submitter. Criteria: Invitae Variant Classification Sherloc (09022015). Collection method: clinical testing. Allele origin: germline.
Comment: ClinVar contains an entry for this variant (Variation ID: 1075594). For these reasons, this variant has been classified as Pathogenic. Algorithms developed to predict the effect of sequence changes on RNA splicing suggest that this variant may disrupt the consensus splice site. This variant has not been reported in the literature in individuals affected with WRN-related conditions. This variant is not present in population databases (gnomAD no frequency). This sequence change creates a premature translational stop signal (p.Thr434Serfs*4) in the WRN gene. It is expected to result in an absent or disrupted protein product. Loss-of-function variants in WRN are known to be pathogenic (PMID: 16673358).

Literature cited by the submitters: PubMed 16673358.

NM_000553.6(WRN):c.1301del (p.Thr434fs)

Gene: WRN (WRN RecQ like helicase; plus strand). Cytogenetic location: 8p12.
Variant type: Deletion.
Coding change: c.1301del on transcript NM_000553.6 (MANE Select); coding-DNA position 1301, one base deleted (C; older notation c.1301delC).
Protein change: p.Thr434fs; shifts the reading frame from threonine 434.
Molecular consequence: frameshift variant.
Genome position (GRCh38, 1-based): chr8:31,083,730, C deleted. VCF-style (leftmost placement, unchanged base first): chr8-31083729-AC-A. GRCh37 (hg19) VCF-style: chr8-30941245-AC-A.
Other names: short protein forms T434fs.
Identifiers: ClinVar variation 1075594 (VCV001075594.5), dbSNP rs2130133359, ClinGen allele CA2499219235.